The following is an entry in ClinVar:

NM_032357.4(VMA22):c.444C>T (p.Ala148=)

Gene: VMA22 (vacuolar ATPase assembly factor VMA22; minus strand). Cytogenetic location: 2q21.1.
Variant type: single nucleotide variant.
Coding change: c.444C>T on transcript NM_032357.4 (MANE Select); coding-DNA position 444, C replaced by T.
Protein change: p.Ala148=; no amino-acid change (alanine 148 retained).
Molecular consequence: synonymous variant. On other transcripts: non-coding transcript variant (2).
Genome position (GRCh38, 1-based): chr2:130,339,219, G>A on the plus strand (C>T on the coding strand, the complement: VMA22 is on the minus strand). VCF-style: chr2-130339219-G-A. GRCh37 (hg19) VCF-style: chr2-131096792-G-A.
Other names: c.429C>T, p.Ala143= (NM_001321118.1); c.420C>T, p.Ala140= (NM_001321119.2).
Identifiers: ClinVar variation 791468 (VCV000791468.35), dbSNP rs138149585, ClinGen allele CA1871214.

ClinVar aggregate classification (germline): Benign/Likely benign. Review status: criteria provided, multiple submitters, no conflicts (2 of 4 stars). 4 submissions from 4 submitters: Benign (2); Likely benign (1). 1 of the submissions does not count toward it. Last evaluated 2026-09-01.

Conditions:
CCDC115-related disorder. Also called: CCDC115-related condition.

Allele frequency attached by ClinVar (database versions not stated): 1000 Genomes Project 0.00100; 1000 Genomes Project 30x 0.00125; gnomAD exomes 0.00161 and 0.00253; ExAC 0.00170; TOPMed 0.00183; gnomAD 0.00186 and 0.00190; ESP Exome Variant Server 0.00231.
gnomAD v4.1: 3,931 of 1,613,792 alleles (0.24%); highest among the groups gnomAD compares: South Asian, 0.3%; 8 homozygotes.

Submissions (4):

CeGaT Center for Human Genetics Tuebingen
Classification: Likely benign. Last evaluated: 2026-09-01. Review status: criteria provided, single submitter. Criteria: CeGaT Center For Human Genetics Tuebingen Variant Classification Criteria Version 2. Collection method: clinical testing. Allele origin: germline. Affected: yes. Observed: 3 variant alleles.
Comment: VMA22: BP4, BP7

Labcorp Genetics (formerly Invitae), Labcorp
Classification: Benign. Last evaluated: 2026-02-03. Review status: criteria provided, single submitter. Criteria: Invitae Variant Classification Sherloc (09022015). Collection method: clinical testing. Allele origin: germline.

Breakthrough Genomics
Classification: Benign. Review status: criteria provided, single submitter. Criteria: ACMG Guidelines, 2015. Collection method: not provided. Allele origin: germline. Inheritance: Autosomal recessive inheritance. Affected: yes.

PreventionGenetics, part of Exact Sciences
Classification: Likely benign for CCDC115-related condition. Last evaluated: 2023-11-21. Review status: no assertion criteria provided. Collection method: clinical testing. Allele origin: germline. Not counted in ClinVar's aggregate classification.
Comment: This variant is classified as likely benign based on ACMG/AMP sequence variant interpretation guidelines (Richards et al. 2015 PMID: 25741868, with internal and published modifications).